The following is an entry in ClinVar:

NM_139318.5(KCNH5):c.691A>G (p.Met231Val)

Gene: KCNH5 (potassium voltage-gated channel subfamily H member 5; minus strand). Cytogenetic location: 14q23.2.
Variant type: single nucleotide variant.
Coding change: c.691A>G on transcript NM_139318.5 (MANE Select); coding-DNA position 691, A replaced by G.
Protein change: p.Met231Val; replaces methionine 231 with valine.
Molecular consequence: missense variant.
Genome position (GRCh38, 1-based): chr14:62,981,123, T>C on the plus strand (A>G on the coding strand, the complement: KCNH5 is on the minus strand). VCF-style: chr14-62981123-T-C. GRCh37 (hg19) VCF-style: chr14-63447841-T-C.
Other names: c.691A>G, p.Met231Val (NM_172375.3); short protein forms M231V.
Identifiers: ClinVar variation 3639176 (VCV003639176.2).

ClinVar aggregate classification (germline): Uncertain significance (1 of 4 stars; one submission).

Conditions:
Early-infantile DEE. Also called: Early infantile epileptic encephalopathy; Ohtahara syndrome; Early infantile epileptic encephalopathy with suppression bursts. Identifiers: Orphanet 1934, MedGen C0393706, MONDO:0800491.

gnomAD v4.1: 2 of 1,614,154 alleles (0.00012%); highest among the groups gnomAD compares: South Asian, 0.0011%; no homozygotes.

Submission:

Labcorp Genetics (formerly Invitae), Labcorp
Classification: Uncertain significance for Early-infantile DEE. Last evaluated: 2024-02-17. Review status: criteria provided, single submitter. Criteria: Invitae Variant Classification Sherloc (09022015). Collection method: clinical testing. Allele origin: germline.
Comment: This sequence change replaces methionine, which is neutral and non-polar, with valine, which is neutral and non-polar, at codon 231 of the KCNH5 protein (p.Met231Val). This variant is not present in population databases (gnomAD no frequency). This variant has not been reported in the literature in individuals affected with KCNH5-related conditions. Advanced modeling of protein sequence and biophysical properties (such as structural, functional, and spatial information, amino acid conservation, physicochemical variation, residue mobility, and thermodynamic stability) performed at Invitae indicates that this missense variant is not expected to disrupt KCNH5 protein function with a negative predictive value of 80%. In summary, the available evidence is currently insufficient to determine the role of this variant in disease. Therefore, it has been classified as a Variant of Uncertain Significance.